The following is an entry in ClinVar:

NM_000528.4(MAN2B1):c.658C>T (p.Arg220Cys)

Gene: MAN2B1 (mannosidase alpha class 2B member 1; minus strand). Cytogenetic location: 19p13.13.
Variant type: single nucleotide variant.
Coding change: c.658C>T on transcript NM_000528.4 (MANE Select); coding-DNA position 658, C replaced by T.
Protein change: p.Arg220Cys; replaces arginine 220 with cysteine.
Molecular consequence: missense variant.
Genome position (GRCh38, 1-based): chr19:12,663,808, G>A on the plus strand (C>T on the coding strand, the complement: MAN2B1 is on the minus strand). VCF-style: chr19-12663808-G-A. GRCh37 (hg19) VCF-style: chr19-12774622-G-A.
Other names: c.658C>T, p.Arg220Cys (NM_001173498.2); c.658C>T (NM_000528.3); short protein forms R220C.
Identifiers: ClinVar variation 2150216 (VCV002150216.4), dbSNP rs752541064, ClinGen allele CA9226738.

ClinVar aggregate classification (germline): Conflicting classifications of pathogenicity. Review status: criteria provided, conflicting classifications (1 of 4 stars). 4 submissions from 4 submitters: Likely pathogenic (1); Uncertain significance (3). Last evaluated 2026-05-12.

Conditions:
Deficiency of alpha-mannosidase (MANSA). Also called: Alpha-Mannosidosis; LYSOSOMAL ALPHA-D-MANNOSIDASE DEFICIENCY; Mannosidosis, alpha-, types I and II. Identifiers: Orphanet 61, MedGen C0024748, MONDO:0009561, OMIM 248500.

Allele frequency attached by ClinVar (database versions not stated): ExAC 0.00002; gnomAD exomes 0.00002.

Submissions (4):

Myriad Genetics, Inc.
Classification: Uncertain significance for Deficiency of alpha-mannosidase. Last evaluated: 2026-05-12. Review status: criteria provided, single submitter. Criteria: Myriad Autosomal Dominant, Autosomal Recessive and X-Linked Classification Criteria (2023). Collection method: clinical testing. Allele origin: unknown.
Comment: NM_000528.3(MAN2B1):c.658C>T(R220C) is a missense variant classified as a variant of uncertain significance in the context of alpha-mannosidosis. R220C has not been observed in cases with relevant disease. Relevant functional assessments of this variant are not available in the literature. R220C has been observed in referenced population frequency databases. In summary, there is insufficient evidence to classify NM_000528.3(MAN2B1):c.658C>T(R220C) as pathogenic or benign. Please note: this variant was assessed in the context of healthy population screening.

GeneDx
Classification: Likely pathogenic. Last evaluated: 2025-08-11. Review status: criteria provided, single submitter. Criteria: GeneDx Variant Classification Process June 2021. Collection method: clinical testing. Allele origin: germline. Affected: yes.
Comment: Not observed at significant frequency in large population cohorts (gnomAD); In silico analysis supports that this missense variant has a deleterious effect on protein structure/function; Has not been previously published as pathogenic or benign to our knowledge

Women's Health and Genetics/Laboratory Corporation of America, LabCorp
Classification: Uncertain significance. Last evaluated: 2024-04-09. Review status: criteria provided, single submitter. Criteria: LabCorp Variant Classification Summary - May 2015. Collection method: clinical testing. Allele origin: germline.
Comment: Variant summary: MAN2B1 c.658C>T (p.Arg220Cys) results in a non-conservative amino acid change located in the Glycoside hydrolase family 38, N-terminal domain (IPR000602) of the encoded protein sequence. Five of five in-silico tools predict a damaging effect of the variant on protein function. The variant allele was found at a frequency of 1.6e-05 in 251462 control chromosomes. The available data on variant occurrences in the general population are insufficient to allow any conclusion about variant significance. To our knowledge, no occurrence of c.658C>T in individuals affected with Alpha-Mannosidosis and no experimental evidence demonstrating its impact on protein function have been reported. ClinVar contains an entry for this variant (Variation ID: 2150216). Based on the evidence outlined above, the variant was classified as uncertain significance.

Labcorp Genetics (formerly Invitae), Labcorp
Classification: Uncertain significance for Deficiency of alpha-mannosidase. Last evaluated: 2022-04-15. Review status: criteria provided, single submitter. Criteria: Invitae Variant Classification Sherloc (09022015). Collection method: clinical testing. Allele origin: germline.
Comment: This sequence change replaces arginine, which is basic and polar, with cysteine, which is neutral and slightly polar, at codon 220 of the MAN2B1 protein (p.Arg220Cys). This variant is present in population databases (rs752541064, gnomAD 0.006%). This variant has not been reported in the literature in individuals affected with MAN2B1-related conditions. Algorithms developed to predict the effect of missense changes on protein structure and function (SIFT, PolyPhen-2, Align-GVGD) all suggest that this variant is likely to be disruptive. In summary, the available evidence is currently insufficient to determine the role of this variant in disease. Therefore, it has been classified as a Variant of Uncertain Significance.